The following is an entry in ClinVar:

ClinVar aggregate classification (germline): Uncertain significance. Review status: criteria provided, multiple submitters, no conflicts (2 of 4 stars). 2 submissions from 2 submitters: Uncertain significance (2). Last evaluated 2025-09-23.

Allele frequency attached by ClinVar (database versions not stated): gnomAD exomes below 0.00001; TOPMed below 0.00001.
gnomAD v4.1: 4 of 1,614,062 alleles (0.00025%); highest among the groups gnomAD compares: African/African-American, 0.0053%; no homozygotes.

Submissions (2):

Dasa
Classification: Uncertain significance. Last evaluated: 2025-09-23. Review status: criteria provided, single submitter. Criteria: DASA Assertion Criteria. Collection method: clinical testing. Allele origin: germline.
Comment: NM_002112.4(HDC):c.1078G>C (p.Val360Leu) is a missense variant that results in the substitution of valine with leucine. This variant is rare in population databases. Computational prediction algorithms are consistent with a benign effect. The currently available literature and clinical evidence are not sufficient to establish a definitive association between this variant and the reported condition. Therefore, this variant is classified as a variant of uncertain significance.

Ambry Genetics
Classification: Uncertain significance. Last evaluated: 2023-01-10. Review status: criteria provided, single submitter. Criteria: Ambry Variant Classification Scheme 2023. Collection method: clinical testing. Allele origin: germline.

NM_002112.4(HDC):c.1078G>C (p.Val360Leu)

Gene: HDC (histidine decarboxylase; minus strand). Cytogenetic location: 15q21.2.
Variant type: single nucleotide variant.
Coding change: c.1078G>C on transcript NM_002112.4 (MANE Select); coding-DNA position 1078, G replaced by C.
Protein change: p.Val360Leu; replaces valine 360 with leucine.
Molecular consequence: missense variant. On other transcripts: intron variant (1).
Genome position (GRCh38, 1-based): chr15:50,248,307, C>G on the plus strand (G>C on the coding strand, the complement: HDC is on the minus strand). VCF-style: chr15-50248307-C-G. GRCh37 (hg19) VCF-style: chr15-50540504-C-G.
Other names: c.1041+4123G>C (NM_001306146.2); short protein forms V360L.
Identifiers: ClinVar variation 2474662 (VCV002474662.4), dbSNP rs753711110, ClinGen allele CA392379597.